The following is an entry in ClinVar:

ClinVar aggregate classification (germline): Pathogenic (1 of 4 stars; one submission).

Conditions:
Bloom syndrome (BLM). Also called: Bloom-Torre-Machacek syndrome. Identifiers: Orphanet 125, MedGen C0005859, MONDO:0008876, OMIM 210900.

Submission:

Myriad Genetics, Inc.
Classification: Pathogenic for Bloom syndrome. Last evaluated: 2026-06-17. Review status: criteria provided, single submitter. Criteria: Myriad Autosomal Dominant, Autosomal Recessive and X-Linked Classification Criteria (2023). Collection method: clinical testing. Allele origin: unknown.
Comment: This variant is considered pathogenic. This variant creates a frameshift predicted to result in premature protein truncation.

NM_000057.4(BLM):c.2545del (p.Arg849fs)

Gene: BLM (BLM RecQ like helicase; plus strand). Cytogenetic location: 15q26.1.
Variant type: Deletion.
Coding change: c.2545del on transcript NM_000057.4 (MANE Select); coding-DNA position 2545, one base deleted (A; older notation c.2545delA).
Protein change: p.Arg849fs; shifts the reading frame from arginine 849.
Molecular consequence: frameshift variant.
Genome position (GRCh38, 1-based): chr15:90,769,576, A deleted. VCF-style (leftmost placement, unchanged base first): chr15-90769575-CA-C. GRCh37 (hg19) VCF-style: chr15-91312805-CA-C.
Other names: c.2545del, p.Arg849fs (NM_001287246.2, NM_001287247.2); c.1420del, p.Arg474fs (NM_001287248.2); short protein forms R474fs, R849fs.
Identifiers: ClinVar variation 4876112 (VCV004876112.1).